The following is an entry in ClinVar:

ClinVar aggregate classification (germline): Likely benign. Review status: criteria provided, multiple submitters, no conflicts (2 of 4 stars). 3 submissions from 3 submitters: Likely benign (2). 1 of the submissions does not count toward it. Last evaluated 2018-09-10.

Conditions:
VPS8-related disorder. Also called: VPS8-related condition.

Allele frequency attached by ClinVar (database versions not stated): 1000 Genomes Project 30x 0.00094; 1000 Genomes Project 0.00100; TOPMed 0.00248; gnomAD 0.00257; gnomAD exomes 0.00262 and 0.00381; ExAC 0.00399; ESP Exome Variant Server 0.00431.
gnomAD v4.1: 5,904 of 1,609,504 alleles (0.37%); highest among the groups gnomAD compares: Middle Eastern, 0.53%; 16 homozygotes.

Submissions (3):

Labcorp Genetics (formerly Invitae), Labcorp
Classification: Likely benign. Last evaluated: 2018-09-10. Review status: criteria provided, single submitter. Criteria: Invitae Variant Classification Sherloc (09022015). Collection method: clinical testing. Allele origin: germline.

Breakthrough Genomics
Classification: Likely benign. Review status: criteria provided, single submitter. Criteria: ACMG Guidelines, 2015. Collection method: not provided. Allele origin: germline. Inheritance: Unknown mechanism. Affected: yes.

PreventionGenetics, part of Exact Sciences
Classification: Likely benign for VPS8-related condition. Last evaluated: 2022-05-18. Review status: no assertion criteria provided. Collection method: clinical testing. Allele origin: germline. Not counted in ClinVar's aggregate classification.
Comment: This variant is classified as likely benign based on ACMG/AMP sequence variant interpretation guidelines (Richards et al. 2015 PMID: 25741868, with internal and published modifications).

NM_001009921.3(VPS8):c.1747G>A (p.Val583Ile)

Gene: VPS8 (VPS8 subunit of CORVET complex; plus strand). Cytogenetic location: 3q27.2.
Variant type: single nucleotide variant.
Coding change: c.1747G>A on transcript NM_001009921.3 (MANE Select); coding-DNA position 1747, G replaced by A.
Protein change: p.Val583Ile; replaces valine 583 with isoleucine.
Molecular consequence: missense variant. On other transcripts: 5 prime UTR variant (1), non-coding transcript variant (1).
Genome position (GRCh38, 1-based): chr3:184,886,122, G>A. VCF-style: chr3-184886122-G-A. GRCh37 (hg19) VCF-style: chr3-184603910-G-A.
Other names: c.1747G>A, p.Val583Ile (NM_001349292.2, NM_001349293.2, NM_001349294.2 and 1 more transcripts); c.1708G>A, p.Val570Ile (NM_001349296.2); c.28G>A, p.Val10Ile (NM_001349297.2); c.-233G>A (NM_001349298.2); c.1741G>A, p.Val581Ile (NM_015303.4); short protein forms V583I, V570I, V10I, V581I.
Identifiers: ClinVar variation 719032 (VCV000719032.6), dbSNP rs61742617, ClinGen allele CA2737813.
Genomic context (GRCh38, chr3:184,886,122, plus strand): 5'-ACTGGACAGGGTTGTGGGGCTGATGCTTTCTTTATGGTTCCTCTACAGGATATGGTGCCT[G>A]TCATAGTTGATTACTGCCTTCTGCTGCAGCGAAAGTGAGTATGCGTTGCCTGTCACATTC-3'
Protein context (NP_001009921.1, residues 573-593): MEQHFQDMVP[Val583Ile]IVDYCLLLQR